The following is an entry in ClinVar:

NM_001365536.1(SCN9A):c.1650C>G (p.Ser550Arg)

Genes: SCN1A-AS1 (SCN1A and SCN9A antisense RNA 1; plus strand), SCN9A (sodium voltage-gated channel alpha subunit 9; minus strand). Cytogenetic location: 2q24.3.
Variant type: single nucleotide variant.
Coding change: c.1650C>G on transcript NM_001365536.1 (MANE Select); coding-DNA position 1650, C replaced by G.
Protein change: p.Ser550Arg; replaces serine 550 with arginine.
Molecular consequence: missense variant.
Genome position (GRCh38, 1-based): chr2:166,284,777, G>C on the plus strand (C>G on the coding strand, the complement: SCN9A is on the minus strand). VCF-style: chr2-166284777-G-C. GRCh37 (hg19) VCF-style: chr2-167141287-G-C.
Other names: c.1650C>G, p.Ser550Arg (NM_002977.4); short protein forms S550R.
Identifiers: ClinVar variation 234892 (VCV000234892.55), dbSNP rs200192044, ClinGen allele CA1944455.

ClinVar aggregate classification (germline): Uncertain significance. Review status: criteria provided, multiple submitters, no conflicts (2 of 4 stars). 5 submissions from 5 submitters: Uncertain significance (5). Last evaluated 2026-01-05.

Conditions:
Paroxysmal extreme pain disorder (PEXPD). Also called: PAIN, SUBMANDIBULAR, OCULAR, AND RECTAL, WITH FLUSHING; RECTAL PAIN, FAMILIAL; SCN9A Paroxysmal Extreme Pain Disorder (SCN9A-PEPD). Identifiers: Orphanet 46348, MedGen C1833661, MONDO:0008179, OMIM 167400.
Neuropathy, hereditary sensory and autonomic, type 2A (HSAN2A). Also called: MORVAN DISEASE; NEUROPATHY, CONGENITAL SENSORY; NEUROPATHY, HEREDITARY SENSORY RADICULAR, AUTOSOMAL RECESSIVE; NEUROPATHY, HEREDITARY SENSORY, TYPE IIA; NEUROPATHY, PROGRESSIVE SENSORY, OF CHILDREN; ACROOSTEOLYSIS, GIACCAI TYPE. Identifiers: Orphanet 970, MedGen C2752089, MONDO:0024309, OMIM 201300.
Generalized epilepsy with febrile seizures plus, type 7 (GEFSP7). Also called: GEFS+, TYPE 7. Identifiers: Orphanet 36387, MedGen C2751778, MONDO:0013470, OMIM 613863.
Inborn genetic diseases. Identifiers: MedGen C0950123, MeSH D030342.

Allele frequency attached by ClinVar (database versions not stated): ESP Exome Variant Server 0.00008; gnomAD exomes 0.00008 and 0.00002; gnomAD 0.00002; ExAC 0.00003; TOPMed 0.00003.
gnomAD v4.1: 115 of 1,613,240 alleles (0.0071%); highest among the groups gnomAD compares: Non-Finnish European, 0.0094%; no homozygotes.

Submissions (5):

Labcorp Genetics (formerly Invitae), Labcorp
Classification: Uncertain significance for Neuropathy, hereditary sensory and autonomic, type 2A; Generalized epilepsy with febrile seizures plus, type 7. Last evaluated: 2026-01-05. Review status: criteria provided, single submitter. Criteria: Invitae Variant Classification Sherloc (09022015). Collection method: clinical testing. Allele origin: germline.
Comment: This sequence change replaces serine, which is neutral and polar, with arginine, which is basic and polar, at codon 550 of the SCN9A protein (p.Ser550Arg). This variant is present in population databases (rs200192044, gnomAD 0.004%). This variant has not been reported in the literature in individuals affected with SCN9A-related conditions. ClinVar contains an entry for this variant (Variation ID: 234892). Invitae Evidence Modeling of protein sequence and biophysical properties (such as structural, functional, and spatial information, amino acid conservation, physicochemical variation, residue mobility, and thermodynamic stability) indicates that this missense variant is not expected to disrupt SCN9A protein function with a negative predictive value of 95%. In summary, the available evidence is currently insufficient to determine the role of this variant in disease. Therefore, it has been classified as a Variant of Uncertain Significance.

Ambry Genetics
Classification: Uncertain significance for Inborn genetic diseases. Last evaluated: 2025-08-04. Review status: criteria provided, single submitter. Criteria: Ambry Variant Classification Scheme 2023. Collection method: clinical testing. Allele origin: germline.
Comment: The alteration results in an amino acid change: The c.1650C>G (p.S550R) alteration is located in exon 12 (coding exon 11) of the SCN9A gene. This alteration results from a C to G substitution at nucleotide position 1650, causing the serine (S) at amino acid position 550 to be replaced by an arginine (R). The alteration is rare in population databases: Based on data from the Genome Aggregation Database (gnomAD), the SCN9A c.1650C>G alteration was observed in 0.002% (5/279,414) of total alleles studied. The altered amino acid is conserved throughout evolution: The p.S550 amino acid is conserved in available vertebrate species. The alteration is predicted deleterious by in silico modeling: The p.S550R alteration is predicted to be deleterious by in silico analysis. Based on insufficient or conflicting evidence, the clinical significance of this alteration remains unclear.

GeneDx
Classification: Uncertain significance. Last evaluated: 2023-09-05. Review status: criteria provided, single submitter. Criteria: GeneDx Variant Classification Process June 2021. Collection method: clinical testing. Allele origin: germline. Affected: yes.
Comment: Not observed at significant frequency in large population cohorts (gnomAD); In silico analysis supports that this missense variant has a deleterious effect on protein structure/function; Has not been previously published as pathogenic or benign to our knowledge

Baylor Genetics
Classification: Uncertain significance for Paroxysmal extreme pain disorder. Last evaluated: 2023-08-29. Review status: criteria provided, single submitter. Criteria: ACMG Guidelines, 2015. Collection method: clinical testing. Allele origin: unknown.

ARUP Laboratories, Molecular Genetics and Genomics, ARUP Laboratories
Classification: Uncertain significance. Last evaluated: 2021-04-17. Review status: criteria provided, single submitter. Criteria: ARUP Molecular Germline Variant Investigation Process 2021. Collection method: clinical testing. Allele origin: germline.
Comment: The SCN9A c.1650C>G; p.Ser550Arg variant (rs200192044), to our knowledge, is not reported in the medical literature but is reported in ClinVar (Variation ID: 234892). This variant is found in the non-Finnish European population with an allele frequency of 0.0039% (5/127,678 alleles) in the Genome Aggregation Database. The serine at codon 550 is highly conserved, and computational analyses predict that this variant is deleterious (REVEL: 0.751). However, given the lack of clinical and functional data, the significance of the p.Ser550Arg variant is uncertain at this time.